The following is an entry in ClinVar:

ClinVar aggregate classification (germline): Likely benign (1 of 4 stars; one submission).

Submission:

CeGaT Center for Human Genetics Tuebingen
Classification: Likely benign. Last evaluated: 2026-03-01. Review status: criteria provided, single submitter. Criteria: CeGaT Center For Human Genetics Tuebingen Variant Classification Criteria Version 2. Collection method: clinical testing. Allele origin: germline. Affected: yes. Observed: 1 variant allele.
Comment: NYNRIN: PM2:Supporting, BP4, BP7

NM_025081.3(NYNRIN):c.57A>G (p.Lys19=)

Gene: NYNRIN (NYN domain and retroviral integrase containing; plus strand). Cytogenetic location: 14q12.
Variant type: single nucleotide variant.
Coding change: c.57A>G on transcript NM_025081.3 (MANE Select); coding-DNA position 57, A replaced by G.
Protein change: p.Lys19=; no amino-acid change (lysine 19 retained).
Molecular consequence: synonymous variant.
Genome position (GRCh38, 1-based): chr14:24,399,303, A>G. VCF-style: chr14-24399303-A-G. GRCh37 (hg19) VCF-style: chr14-24868509-A-G.
Identifiers: ClinVar variation 4821519 (VCV004821519.4).
Genomic context (GRCh38, chr14:24,399,303, plus strand): 5'-AGCCATGCTCCTGTCTGGGGGCGATCCTCCGGCGCAGGAATGGTTCATGGTGCAGACAAA[A>G]TCGAAGCCTCGGGTGCAGCGGCAGCGGCTGCAAGTGCAGCGCATCTTTAGGGTCAAGCTG-3'
Protein context (NP_079357.2, residues 9-29): PAQEWFMVQT[Lys19=]SKPRVQRQRL